The following is an entry in ClinVar:

ClinVar aggregate classification (germline): Uncertain significance (1 of 4 stars; one submission).

Submission:

Labcorp Genetics (formerly Invitae), Labcorp
Classification: Uncertain significance. Last evaluated: 2024-10-08. Review status: criteria provided, single submitter. Criteria: Invitae Variant Classification Sherloc (09022015). Collection method: clinical testing. Allele origin: germline.
Comment: This sequence change replaces serine, which is neutral and polar, with threonine, which is neutral and polar, at codon 4674 of the PCLO protein (p.Ser4674Thr). This variant is not present in population databases (gnomAD no frequency). This variant has not been reported in the literature in individuals affected with PCLO-related conditions. Experimental studies and prediction algorithms are not available or were not evaluated, and the functional significance of this variant is currently unknown. In summary, the available evidence is currently insufficient to determine the role of this variant in disease. Therefore, it has been classified as a Variant of Uncertain Significance.

NM_033026.6(PCLO):c.14021G>C (p.Ser4674Thr)

Gene: PCLO (piccolo presynaptic cytomatrix protein; minus strand). Cytogenetic location: 7q21.11.
Variant type: single nucleotide variant.
Coding change: c.14021G>C on transcript NM_033026.6 (MANE Select); coding-DNA position 14021, G replaced by C.
Protein change: p.Ser4674Thr; replaces serine 4674 with threonine.
Molecular consequence: missense variant.
Genome position (GRCh38, 1-based): chr7:82,845,296, C>G on the plus strand (G>C on the coding strand, the complement: PCLO is on the minus strand). VCF-style: chr7-82845296-C-G. GRCh37 (hg19) VCF-style: chr7-82474612-C-G.
Other names: c.14021G>C, p.Ser4674Thr (NM_014510.3); short protein forms S4674T.
Identifiers: ClinVar variation 2812350 (VCV002812350.3), dbSNP rs749251920, ClinGen allele CA367878715.